The following is an entry in ClinVar:

ClinVar aggregate classification (germline): Uncertain significance (1 of 4 stars; one submission).

Conditions:
BRPF1-related disorder. Also called: BRPF1-related condition.

Allele frequency attached by ClinVar (database versions not stated): gnomAD exomes below 0.00001; TOPMed below 0.00001.

Submission:

PreventionGenetics, part of Exact Sciences
Classification: Uncertain significance for BRPF1-related condition. Last evaluated: 2023-05-09. Review status: criteria provided, single submitter. Criteria: ACMG Guidelines, 2015. Collection method: clinical testing. Allele origin: germline.
Comment: The BRPF1 c.1558A>G variant is predicted to result in the amino acid substitution p.Arg520Gly. To our knowledge, this variant has not been reported in the literature or in a large population database, indicating this variant is rare. At this time, the clinical significance of this variant is uncertain due to the absence of conclusive functional and genetic evidence.

NM_001003694.2(BRPF1):c.1558A>G (p.Arg520Gly)

Gene: BRPF1 (bromodomain and PHD finger containing 1; plus strand). Cytogenetic location: 3p25.3.
Variant type: single nucleotide variant.
Coding change: c.1558A>G on transcript NM_001003694.2 (MANE Select); coding-DNA position 1558, A replaced by G.
Protein change: p.Arg520Gly; replaces arginine 520 with glycine.
Molecular consequence: missense variant. On other transcripts: non-coding transcript variant (1).
Genome position (GRCh38, 1-based): chr3:9,739,957, A>G. VCF-style: chr3-9739957-A-G. GRCh37 (hg19) VCF-style: chr3-9781641-A-G.
Other names: c.1558A>G, p.Arg520Gly (NM_001319049.2, NM_001319050.2, NM_001410704.1 and 1 more transcripts); short protein forms R520G.
Identifiers: ClinVar variation 2633237 (VCV002633237.1), dbSNP rs2077002220, ClinGen allele CA351688780.